The following is an entry in ClinVar:

ClinVar aggregate classification (germline): Uncertain significance (1 of 4 stars; one submission).

gnomAD v4.1: 5 of 1,162,091 alleles (0.00043%); highest among the groups gnomAD compares: Non-Finnish European, 0.00047%; no homozygotes.

Submission:

Labcorp Genetics (formerly Invitae), Labcorp
Classification: Uncertain significance. Last evaluated: 2024-02-23. Review status: criteria provided, single submitter. Criteria: Invitae Variant Classification Sherloc (09022015). Collection method: clinical testing. Allele origin: germline.
Comment: This sequence change replaces isoleucine, which is neutral and non-polar, with methionine, which is neutral and non-polar, at codon 728 of the POLA1 protein (p.Ile728Met). This variant is present in population databases (no rsID available, gnomAD no frequency), including at least one homozygous and/or hemizygous individual. This variant has not been reported in the literature in individuals affected with POLA1-related conditions. Algorithms developed to predict the effect of missense changes on protein structure and function output the following: SIFT: "Not Available"; PolyPhen-2: "Benign"; Align-GVGD: "Not Available". The methionine amino acid residue is found in multiple mammalian species, which suggests that this missense change does not adversely affect protein function. In summary, the available evidence is currently insufficient to determine the role of this variant in disease. Therefore, it has been classified as a Variant of Uncertain Significance.

NM_001330360.2(POLA1):c.2202A>G (p.Ile734Met)

Gene: POLA1 (DNA polymerase alpha 1, catalytic subunit; plus strand). Cytogenetic location: Xp22.11.
Variant type: single nucleotide variant.
Coding change: c.2202A>G on transcript NM_001330360.2 (MANE Select); coding-DNA position 2202, A replaced by G.
Protein change: p.Ile734Met; replaces isoleucine 734 with methionine.
Molecular consequence: missense variant.
Genome position (GRCh38, 1-based): chrX:24,739,536, A>G. VCF-style: chrX-24739536-A-G. GRCh37 (hg19) VCF-style: chrX-24757653-A-G.
Other names: c.2127A>G, p.Ile709Met (NM_001378303.1); c.2184A>G, p.Ile728Met (NM_016937.4); short protein forms I709M, I728M, I734M.
Identifiers: ClinVar variation 3684516 (VCV003684516.2).